The following is an entry in ClinVar:

ClinVar aggregate classification (germline): Uncertain significance. Review status: criteria provided, multiple submitters, no conflicts (2 of 4 stars). 3 submissions from 3 submitters: Uncertain significance (3). Last evaluated 2026-05-28.

Conditions:
Cardiovascular phenotype. Identifiers: MedGen CN230736.

Allele frequency attached by ClinVar (database versions not stated): TOPMed below 0.00001; ExAC 0.00002; gnomAD 0.00001; gnomAD exomes 0.00001.
gnomAD v4.1: 16 of 1,613,676 alleles (0.00099%); highest among the groups gnomAD compares: East Asian, 0.0022%; no homozygotes.

Submissions (3):

Women's Health and Genetics/Laboratory Corporation of America, LabCorp
Classification: Uncertain significance. Last evaluated: 2026-05-28. Review status: criteria provided, single submitter. Criteria: LabCorp Variant Classification Summary - May 2015. Collection method: clinical testing. Allele origin: germline.
Comment: Variant summary: TNXB c.8980G>A (p.Val2994Met) results in a conservative amino acid change in the encoded protein sequence. Algorithms developed to predict the effect of missense changes on protein structure and function all suggest that this variant is likely to be tolerated. The variant allele was found at a frequency of 1.6e-05 in 246032 control chromosomes. The available data on variant occurrences in the general population are insufficient to allow any conclusion about variant significance. To our knowledge, no occurrence of c.8980G>A in individuals affected with TNXB-related conditions and no experimental evidence demonstrating its impact on protein function have been reported. ClinVar contains an entry for this variant (Variation ID: 1765324). Based on the evidence outlined above, the variant was classified as uncertain significance.

GeneDx
Classification: Uncertain significance. Last evaluated: 2023-12-06. Review status: criteria provided, single submitter. Criteria: GeneDx Variant Classification Process June 2021. Collection method: clinical testing. Allele origin: germline. Affected: yes.
Comment: Has not been previously published as pathogenic or benign to our knowledge; Not observed at significant frequency in large population cohorts (gnomAD); In silico analysis supports that this missense variant does not alter protein structure/function

Ambry Genetics
Classification: Uncertain significance for Cardiovascular phenotype. Last evaluated: 2021-05-26. Review status: criteria provided, single submitter. Criteria: Ambry Variant Classification Scheme 2023. Collection method: clinical testing. Allele origin: germline.
Comment: The p.V2994M variant (also known as c.8980G>A), located in coding exon 25 of the TNXB gene, results from a G to A substitution at nucleotide position 8980. The valine at codon 2994 is replaced by methionine, an amino acid with highly similar properties. This amino acid position is not well conserved in available vertebrate species, and methionine is the reference amino acid in other vertebrate species. In addition, this alteration is predicted to be tolerated by in silico analysis. Since supporting evidence is limited at this time, the clinical significance of this alteration remains unclear.

NM_001365276.2(TNXB):c.8986G>A (p.Val2996Met)

Gene: TNXB (tenascin XB; minus strand). Cytogenetic location: 6p21.33.
Variant type: single nucleotide variant.
Coding change: c.8986G>A on transcript NM_001365276.2 (MANE Select); coding-DNA position 8986, G replaced by A.
Protein change: p.Val2996Met; replaces valine 2996 with methionine.
Molecular consequence: missense variant.
Genome position (GRCh38, 1-based): chr6:32,052,799, C>T on the plus strand (G>A on the coding strand, the complement: TNXB is on the minus strand). VCF-style: chr6-32052799-C-T. GRCh37 (hg19) VCF-style: chr6-32020576-C-T.
Other names: c.8980G>A, p.Val2994Met (NM_019105.8); short protein forms V2996M, V2994M.
Identifiers: ClinVar variation 1765324 (VCV001765324.4), dbSNP rs779482777, ClinGen allele CA3733689.